The following is an entry in ClinVar:

ClinVar aggregate classification (germline): Uncertain significance (1 of 4 stars; one submission).

Submission:

Labcorp Genetics (formerly Invitae), Labcorp
Classification: Uncertain significance. Last evaluated: 2025-10-01. Review status: criteria provided, single submitter. Criteria: Invitae Variant Classification Sherloc (09022015). Collection method: clinical testing. Allele origin: germline.
Comment: This sequence change replaces arginine, which is basic and polar, with cysteine, which is neutral and slightly polar, at codon 748 of the ZMIZ1 protein (p.Arg748Cys). This variant is not present in population databases (gnomAD no frequency). This variant has not been reported in the literature in individuals affected with ZMIZ1-related conditions. Invitae Evidence Modeling of protein sequence and biophysical properties (such as structural, functional, and spatial information, amino acid conservation, physicochemical variation, residue mobility, and thermodynamic stability) indicates that this missense variant is expected to disrupt ZMIZ1 protein function with a positive predictive value of 80%. In summary, the available evidence is currently insufficient to determine the role of this variant in disease. Therefore, it has been classified as a Variant of Uncertain Significance.

NM_020338.4(ZMIZ1):c.2242C>T (p.Arg748Cys)

Gene: ZMIZ1 (zinc finger MIZ-type containing 1; plus strand). Cytogenetic location: 10q22.3.
Variant type: single nucleotide variant.
Coding change: c.2242C>T on transcript NM_020338.4 (MANE Select); coding-DNA position 2242, C replaced by T.
Protein change: p.Arg748Cys; replaces arginine 748 with cysteine.
Molecular consequence: missense variant.
Genome position (GRCh38, 1-based): chr10:79,304,131, C>T. VCF-style: chr10-79304131-C-T. GRCh37 (hg19) VCF-style: chr10-81063888-C-T.
Other names: short protein forms R748C.
Identifiers: ClinVar variation 4747538 (VCV004747538.1).
Genomic context (GRCh38, chr10:79,304,131, plus strand): 5'-GAGGATGGGGTGGAGCAGACGGCCATCAAGGTGTCTCTGAAGTGCCCCATCACATTCCGG[C>T]GCATCCAGCTGCCTGCTCGAGGACACGATTGCAAGCATGTGCAGGTGAGCGGCCCCAGAA-3'
Protein context (NP_065071.1, residues 738-758): VSLKCPITFR[Arg748Cys]IQLPARGHDC